The following is an entry in ClinVar:

ClinVar aggregate classification (germline): Conflicting classifications of pathogenicity. Review status: criteria provided, conflicting classifications (1 of 4 stars). 10 submissions from 10 submitters: Uncertain significance (1); Likely benign (6). 3 of the submissions do not count toward it. Last evaluated 2026-04-01.

Conditions:
Cardiovascular phenotype. Identifiers: MedGen CN230736.
Autosomal recessive limb-girdle muscular dystrophy type 2J (LGMDR10). Also called: Limb-girdle muscular dystrophy, type 2J; MUSCULAR DYSTROPHY, LIMB-GIRDLE, AUTOSOMAL RECESSIVE 10. Identifiers: Orphanet 140922, MedGen C1837342, MONDO:0012127, OMIM 608807.
Dilated cardiomyopathy 1G (CMD1G). Identifiers: Orphanet 154, MedGen C1858763, MONDO:0011400, OMIM 604145.

Allele frequency attached by ClinVar (database versions not stated): gnomAD 0.00003 and 0.00045; gnomAD exomes 0.00007 and 0.00009; ESP Exome Variant Server 0.00008; ExAC 0.00012; TOPMed 0.00077.
gnomAD v4.1: 184 of 1,613,412 alleles (0.011%); highest among the groups gnomAD compares: Middle Eastern, 0.48%; 4 homozygotes.

Submissions (10):

CeGaT Center for Human Genetics Tuebingen
Classification: Likely benign. Last evaluated: 2026-04-01. Review status: criteria provided, single submitter. Criteria: CeGaT Center For Human Genetics Tuebingen Variant Classification Criteria Version 2. Collection method: clinical testing. Allele origin: germline. Affected: yes. Observed: 15 variant alleles.
Comment: TTN: BP4, BP7

Labcorp Genetics (formerly Invitae), Labcorp
Classification: Likely benign for Dilated cardiomyopathy 1G; Autosomal recessive limb-girdle muscular dystrophy type 2J. Last evaluated: 2026-01-27. Review status: criteria provided, single submitter. Criteria: Invitae Variant Classification Sherloc (09022015). Collection method: clinical testing. Allele origin: germline.

Blueprint Genetics
Classification: Likely benign. Last evaluated: 2024-11-12. Review status: criteria provided, single submitter. Criteria: ACMG Guidelines, 2015. Collection method: clinical testing. Allele origin: germline.

Revvity Omics, Revvity
Classification: Likely benign. Last evaluated: 2023-08-28. Review status: criteria provided, single submitter. Criteria: ACMG Guidelines, 2015. Collection method: clinical testing. Allele origin: germline.

Ambry Genetics
Classification: Likely benign for Cardiovascular phenotype. Last evaluated: 2020-11-16. Review status: criteria provided, single submitter. Criteria: Ambry Variant Classification Scheme 2023. Collection method: clinical testing. Allele origin: germline.

GeneDx
Classification: Likely benign. Last evaluated: 2019-08-30. Review status: criteria provided, single submitter. Criteria: GeneDx Variant Classification Process June 2021. Collection method: clinical testing. Allele origin: germline. Affected: yes.

Eurofins Ntd Llc (ga)
Classification: Uncertain significance. Last evaluated: 2016-09-01. Review status: criteria provided, single submitter. Criteria: EGL Classification Definitions 2015. Collection method: clinical testing. Allele origin: germline. Observed: 3 variant alleles, 3 heterozygotes.

Clinical Genetics, Academic Medical Center
Classification: Benign. Review status: no assertion criteria provided. Collection method: clinical testing. Allele origin: germline. Affected: yes. Study: VKGL Data-share Consensus. Not counted in ClinVar's aggregate classification.

Diagnostic Laboratory, Department of Genetics, University Medical Center Groningen
Classification: Likely benign. Review status: no assertion criteria provided. Collection method: clinical testing. Allele origin: germline. Affected: yes. Study: VKGL Data-share Consensus. Not counted in ClinVar's aggregate classification.

Joint Genome Diagnostic Labs from Nijmegen and Maastricht, Radboudumc and MUMC+
Classification: Likely benign. Review status: no assertion criteria provided. Collection method: clinical testing. Allele origin: germline. Affected: yes. Study: VKGL Data-share Consensus. Not counted in ClinVar's aggregate classification.

NM_001267550.2(TTN):c.91311A>G (p.Glu30437=)

Genes: TTN (titin; minus strand), TTN-AS1 (TTN antisense RNA 1; plus strand). Cytogenetic location: 2q31.2.
Variant type: single nucleotide variant.
Coding change: c.91311A>G on transcript NM_001267550.2 (MANE Select); coding-DNA position 91311, A replaced by G.
Protein change: p.Glu30437=; no amino-acid change (glutamic acid 30437 retained).
Molecular consequence: synonymous variant.
Genome position (GRCh38, 1-based): chr2:178,551,220, T>C on the plus strand (A>G on the coding strand, the complement: TTN is on the minus strand). VCF-style: chr2-178551220-T-C. GRCh37 (hg19) VCF-style: chr2-179415947-T-C.
Other names: c.86388A>G, p.Glu28796= (NM_001256850.1); c.64116A>G, p.Glu21372= (NM_003319.4); c.83607A>G, p.Glu27869= (NM_133378.4); c.64491A>G, p.Glu21497= (NM_133432.3); c.64692A>G, p.Glu21564= (NM_133437.4).
Identifiers: ClinVar variation 281949 (VCV000281949.61), dbSNP rs374094732, ClinGen allele CA1987650.